The following is an entry in ClinVar:

NM_001252024.2(TRPM1):c.1472T>C (p.Leu491Ser)

Gene: TRPM1 (transient receptor potential cation channel subfamily M member 1; minus strand). Cytogenetic location: 15q13.3.
Variant type: single nucleotide variant.
Coding change: c.1472T>C on transcript NM_001252024.2 (MANE Select); coding-DNA position 1472, T replaced by C.
Protein change: p.Leu491Ser; replaces leucine 491 with serine.
Molecular consequence: missense variant.
Genome position (GRCh38, 1-based): chr15:31,049,475, A>G on the plus strand (T>C on the coding strand, the complement: TRPM1 is on the minus strand). VCF-style: chr15-31049475-A-G. GRCh37 (hg19) VCF-style: chr15-31341678-A-G.
Other names: c.1523T>C, p.Leu508Ser (NM_001252020.2); c.1406T>C, p.Leu469Ser (NM_002420.6); short protein forms L469S, L491S, L508S.
Identifiers: ClinVar variation 1016824 (VCV001016824.9), dbSNP rs370567713, ClinGen allele CA7452554.

ClinVar aggregate classification (germline): Conflicting classifications of pathogenicity. Review status: criteria provided, conflicting classifications (1 of 4 stars). 2 submissions from 2 submitters: Likely pathogenic (1); Uncertain significance (1). Last evaluated 2024-03-11.

Allele frequency attached by ClinVar (database versions not stated): gnomAD 0.00001; TOPMed 0.00001; gnomAD exomes 0.00003 and 0.00006; ExAC 0.00013; ESP Exome Variant Server 0.00016.
gnomAD v4.1: 44 of 1,614,004 alleles (0.0027%); highest among the groups gnomAD compares: Non-Finnish European, 0.0034%; no homozygotes.

Submissions (2):

Labcorp Genetics (formerly Invitae), Labcorp
Classification: Likely pathogenic. Last evaluated: 2024-03-11. Review status: criteria provided, single submitter. Criteria: Invitae Variant Classification Sherloc (09022015). Collection method: clinical testing. Allele origin: germline.
Comment: This sequence change replaces leucine, which is neutral and non-polar, with serine, which is neutral and polar, at codon 469 of the TRPM1 protein (p.Leu469Ser). This variant is present in population databases (rs370567713, gnomAD 0.01%). This missense change has been observed in individuals with congenital stationary night blindness (PMID: 28559085, 29522070). ClinVar contains an entry for this variant (Variation ID: 1016824). Advanced modeling of protein sequence and biophysical properties (such as structural, functional, and spatial information, amino acid conservation, physicochemical variation, residue mobility, and thermodynamic stability) performed at Invitae indicates that this missense variant is expected to disrupt TRPM1 protein function with a positive predictive value of 95%. In summary, the currently available evidence indicates that the variant is pathogenic, but additional data are needed to prove that conclusively. Therefore, this variant has been classified as Likely Pathogenic.

Blueprint Genetics
Classification: Uncertain significance. Last evaluated: 2022-09-26. Review status: criteria provided, single submitter. Criteria: ACMG Guidelines, 2015. Collection method: clinical testing. Allele origin: germline.

Literature cited by the submitters: PubMed 28559085 (cited by Labcorp Genetics (formerly Invitae), Labcorp); PubMed 29522070 (cited by Labcorp Genetics (formerly Invitae), Labcorp).